The following is an entry in ClinVar:

ClinVar aggregate classification (germline): Conflicting classifications of pathogenicity. Review status: criteria provided, conflicting classifications (1 of 4 stars). 2 submissions from 2 submitters: Likely pathogenic (1); Benign (1). Last evaluated 2026-05-01.

Conditions:
Primary ciliary dyskinesia. Also called: Ciliary dyskinesia. Identifiers: Orphanet 244, MedGen C0008780, MONDO:0016575, HP:0012265.

Allele frequency attached by ClinVar (database versions not stated): 1000 Genomes Project 30x 0.00172; 1000 Genomes Project 0.00200; TOPMed 0.00545; gnomAD 0.00651; ESP Exome Variant Server 0.00700; ExAC 0.00855.
gnomAD v4.1: 13,409 of 1,608,000 alleles (0.83%); highest among the groups gnomAD compares: Non-Finnish European, 1%; 84 homozygotes.

Submissions (18):

CeGaT Center for Human Genetics Tuebingen
Classification: Benign. Last evaluated: 2026-05-01. Review status: criteria provided, single submitter. Criteria: CeGaT Center For Human Genetics Tuebingen Variant Classification Criteria Version 2. Collection method: clinical testing. Allele origin: germline. Affected: yes. Observed: 5 variant alleles.
Comment: PYGL: BS1, BS2; ABHD12B: BS1, BS2

Department of Human Genetics, Hannover Medical School
Classification: Likely pathogenic for Primary Ciliary Dyskinesia. Last evaluated: 2026-04-01. Review status: criteria provided, single submitter. Criteria: ACMG Guidelines, 2015. Collection method: research. Allele origin: germline. Affected: no.
Comment: Classification performed by HerediClassify using the following criteria:['PVS1_splicing_very_strong: Transcript ENST00000337334 undergoes NMD.']

Dr. Peter K. Rogan Lab, Western University
No classification provided (evidence only). Condition: Clear cell carcinoma of kidney. Review status: no classification provided. Collection method: in vitro. Allele origin: not applicable. Functional consequence: retained intron. Not counted in ClinVar's aggregate classification.

Dr. Peter K. Rogan Lab, Western University
No classification provided (evidence only). Condition: Clear cell carcinoma of kidney. Review status: no classification provided. Collection method: in vitro. Allele origin: not applicable. Functional consequence: retained intron. Not counted in ClinVar's aggregate classification.

Dr. Peter K. Rogan Lab, Western University
No classification provided (evidence only). Condition: Clear cell carcinoma of kidney. Review status: no classification provided. Collection method: in vitro. Allele origin: not applicable. Functional consequence: retained intron. Not counted in ClinVar's aggregate classification.

Dr. Peter K. Rogan Lab, Western University
No classification provided (evidence only). Condition: Lung cancer. Review status: no classification provided. Collection method: in vitro. Allele origin: not applicable. Functional consequence: retained intron. Not counted in ClinVar's aggregate classification.

Dr. Peter K. Rogan Lab, Western University
No classification provided (evidence only). Condition: Melanoma. Review status: no classification provided. Collection method: in vitro. Allele origin: not applicable. Functional consequence: retained intron. Not counted in ClinVar's aggregate classification.

Dr. Peter K. Rogan Lab, Western University
No classification provided (evidence only). Condition: Melanoma. Review status: no classification provided. Collection method: in vitro. Allele origin: not applicable. Functional consequence: retained intron. Not counted in ClinVar's aggregate classification.

Dr. Peter K. Rogan Lab, Western University
No classification provided (evidence only). Condition: Acute myeloid leukemia. Review status: no classification provided. Collection method: in vitro. Allele origin: not applicable. Functional consequence: retained intron. Not counted in ClinVar's aggregate classification.

Dr. Peter K. Rogan Lab, Western University
No classification provided (evidence only). Condition: Acute myeloid leukemia. Review status: no classification provided. Collection method: in vitro. Allele origin: not applicable. Functional consequence: retained intron. Not counted in ClinVar's aggregate classification.

Dr. Peter K. Rogan Lab, Western University
No classification provided (evidence only). Condition: Acute myeloid leukemia. Review status: no classification provided. Collection method: in vitro. Allele origin: not applicable. Functional consequence: retained intron. Not counted in ClinVar's aggregate classification.

Dr. Peter K. Rogan Lab, Western University
No classification provided (evidence only). Condition: Cervical cancer. Review status: no classification provided. Collection method: in vitro. Allele origin: not applicable. Functional consequence: retained intron. Not counted in ClinVar's aggregate classification.

Dr. Peter K. Rogan Lab, Western University
No classification provided (evidence only). Condition: Cervical cancer. Review status: no classification provided. Collection method: in vitro. Allele origin: not applicable. Functional consequence: retained intron. Not counted in ClinVar's aggregate classification.

Dr. Peter K. Rogan Lab, Western University
No classification provided (evidence only). Condition: Sarcoma. Review status: no classification provided. Collection method: in vitro. Allele origin: not applicable. Functional consequence: retained intron. Not counted in ClinVar's aggregate classification.

Dr. Peter K. Rogan Lab, Western University
No classification provided (evidence only). Condition: Ovarian serous cystadenocarcinoma. Review status: no classification provided. Collection method: in vitro. Allele origin: not applicable. Functional consequence: retained intron. Not counted in ClinVar's aggregate classification.

Dr. Peter K. Rogan Lab, Western University
No classification provided (evidence only). Condition: Ovarian serous cystadenocarcinoma. Review status: no classification provided. Collection method: in vitro. Allele origin: not applicable. Functional consequence: retained intron. Not counted in ClinVar's aggregate classification.

Dr. Peter K. Rogan Lab, Western University
No classification provided (evidence only). Condition: Uveal melanoma. Review status: no classification provided. Collection method: in vitro. Allele origin: not applicable. Functional consequence: retained intron. Not counted in ClinVar's aggregate classification.

Dr. Peter K. Rogan Lab, Western University
No classification provided (evidence only). Condition: Malignant tumor of esophagus. Review status: no classification provided. Collection method: in vitro. Allele origin: not applicable. Functional consequence: retained intron. Not counted in ClinVar's aggregate classification.

NM_001206673.2(ABHD12B):c.486+1G>T

Genes: ABHD12B (abhydrolase domain containing 12B; plus strand), PYGL (glycogen phosphorylase L; minus strand). Cytogenetic location: 14q22.1.
Variant type: single nucleotide variant.
Coding change: c.486+1G>T on transcript NM_001206673.2 (MANE Select); the canonical splice donor site of the intron after coding-DNA position 486, G replaced by T.
Molecular consequence: splice donor variant.
Genome position (GRCh38, 1-based): chr14:50,881,627, G>T. VCF-style: chr14-50881627-G-T. GRCh37 (hg19) VCF-style: chr14-51348345-G-T.
Other names: NC_000014.8:g.51348345G>T; c.165+1G>T (NM_181533.4); c.255+1G>T (NM_181814.2).
Identifiers: ClinVar variation 3024734 (VCV003024734.24), dbSNP rs138523238, ClinGen allele CA7182812.